The following is an entry in ClinVar:

ClinVar aggregate classification (germline): Likely pathogenic (1 of 4 stars; one submission).

Conditions:
Juvenile neuronal ceroid lipofuscinosis. Also called: Batten Disease. Identifiers: Orphanet 79264, MedGen CN293564, MONDO:0019262.

Submission:

Natera, Inc.
Classification: Likely pathogenic for Batten Disease. Last evaluated: 2025-08-30. Review status: criteria provided, single submitter. Criteria: Natera Variant Classification Schema (03/2026). Collection method: clinical testing. Allele origin: germline.
Comment: The c.375-1_375delinsA variant in CLN3 is a canonical splice acceptor site variant predicted to affect pre-mRNA splicing, which may result in an abnormal transcript and altered protein product. This variant is expected to result in nonsense mediated decay, truncation, or a dysfunctional protein product. This variant is rare in the general population with a frequency below the threshold expected for the associated phenotype(s). Given the available evidence, this variant is classified as Likely Pathogenic.

NM_001042432.2(CLN3):c.375-1_375delinsA

Gene: CLN3 (CLN3 lysosomal/endosomal transmembrane protein, battenin; minus strand). Cytogenetic location: 16p12.1.
Variant type: Indel.
Coding change: c.375-1_375delinsA on transcript NM_001042432.2 (MANE Select); the canonical splice acceptor site of the intron before coding-DNA position 375 through coding-DNA position 375, GC replaced by A.
Molecular consequence: splice acceptor variant.
Genome position (GRCh38, 1-based): chr16:28,487,541-28,487,542, GC replaced by T on the plus strand (GC replaced by A on the coding strand, the reverse complement: CLN3 is on the minus strand). VCF-style: chr16-28487541-GC-T. GRCh37 (hg19) VCF-style: chr16-28498862-GC-T.
Other names: c.141-1_141delinsA (NM_001286109.2); c.303-1_303delinsA (NM_001286104.2); c.75-1_75delinsA (NM_001286105.2); c.213-1_213delinsA (NM_001286110.2); c.375-1_375delinsA (NM_000086.2).
Identifiers: ClinVar variation 4817055 (VCV004817055.1).